The following is an entry in ClinVar:

ClinVar aggregate classification (germline): Likely pathogenic (1 of 4 stars; one submission).

Conditions:
Wilson disease (WND). Also called: Wilson's disease. Identifiers: Orphanet 905, MedGen C0019202, MONDO:0010200, OMIM 277900. Disease mechanism: loss of function.

Submission:

Dr. Moinak Lab, Sanjay Gandhi Postgraduate Institute of Medical Sciences
Classification: Likely pathogenic for Wilson disease. Last evaluated: 2024-04-22. Review status: criteria provided, single submitter. Criteria: ACMG Guidelines, 2015. Collection method: clinical testing. Allele origin: germline. Inheritance: Autosomal recessive inheritance. Affected: yes. Observed: 1 compound heterozygote.
Comment: ATP7B: c.3467_3468del is a novel frameshift variant involving a two-nucleotide deletion in exon 16. This results in a shift of the reading frame starting at codon 1156, replacing Arginine with Glutamine and introducing a premature stop codon seven residues downstream (p.Arg1156Glnfs*7).

Literature cited by the submitters: PubMed 20301685.

NM_000053.4(ATP7B):c.3467_3468del (p.Arg1156fs)

Gene: ATP7B (ATPase copper transporting beta; minus strand). Cytogenetic location: 13q14.3.
Variant type: Microsatellite.
Coding change: c.3467_3468del on transcript NM_000053.4 (MANE Select); coding-DNA positions 3467 to 3468, 2 bases deleted (GC; older notation c.3467_3468delGC).
Protein change: p.Arg1156fs; shifts the reading frame from arginine 1156.
Molecular consequence: frameshift variant. On other transcripts: intron variant (2).
Genome position (GRCh38, 1-based): chr13:51,941,169-51,941,170, GC deleted on the plus strand (GC on the coding strand, the reverse complement: ATP7B is on the minus strand); deleting any 2 consecutive bases within chr13:51,941,169-51,941,172 gives the same sequence; the c. name uses the placement nearest the transcript's 3' end. VCF-style (leftmost placement, unchanged base first): chr13-51941168-TGC-T. GRCh37 (hg19) VCF-style: chr13-52515304-TGC-T.
Other names: c.2846_2847del, p.Arg949fs (NM_001005918.3); c.3134_3135del, p.Arg1045fs (NM_001243182.2); c.3233_3234del, p.Arg1078fs (NM_001330578.2, NM_001406527.1, NM_001406528.1); c.3215_3216del, p.Arg1072fs (NM_001330579.2, NM_001406531.1, NM_001406532.1); c.3467_3468del, p.Arg1156fs (NM_001406511.1, NM_001406512.1, NM_001406526.1); c.3461_3462del, p.Arg1154fs (NM_001406513.1); c.3434_3435del, p.Arg1145fs (NM_001406514.1); c.3413_3414del, p.Arg1138fs (NM_001406515.1, NM_001406516.1); and 20 more; short protein forms R1007fs, R1013fs, R1043fs, R1045fs, R1046fs, R1060fs, R1072fs, R1076fs.
Identifiers: ClinVar variation 4528915 (VCV004528915.1).